The following is an entry in ClinVar:

NM_016406.4(UFC1):c.192-6T>C

Gene: UFC1 (ubiquitin-fold modifier conjugating enzyme 1; plus strand). Cytogenetic location: 1q23.3.
Variant type: single nucleotide variant.
Coding change: c.192-6T>C on transcript NM_016406.4 (MANE Select); 6 bases into the intron before coding-DNA position 192, T replaced by C.
Molecular consequence: intron variant.
Genome position (GRCh38, 1-based): chr1:161,157,248, T>C. VCF-style: chr1-161157248-T-C. GRCh37 (hg19) VCF-style: chr1-161127038-T-C.
Identifiers: ClinVar variation 3897674 (VCV003897674.1).

ClinVar aggregate classification (germline): Likely pathogenic (1 of 4 stars; one submission).

Conditions:
Neurodevelopmental disorder with spasticity and poor growth. Identifiers: MedGen C4748081, MONDO:0060752, OMIM 618076.

Submission:

Costain lab, The Hospital for Sick Children
Classification: Likely pathogenic for Neurodevelopmental disorder with spasticity and poor growth. Last evaluated: 2025-04-18. Review status: criteria provided, single submitter. Criteria: ACMG Guidelines, 2015. Collection method: clinical testing. Allele origin: biparental. Inheritance: Autosomal recessive inheritance. Affected: yes. Observed: 1 homozygote. Study: Gene-STEPS.
Comment: PS3_M (RNA-sequencing experiment confirmed leaky splice site impact consistent with hypomorphic effect), PM2 (low gnomAD allele count with no homozygotes), PP1 (affected cousin homozygous for same variant), PM3_P (strong clinical fit)